The following is an entry in ClinVar:

NM_003482.4(KMT2D):c.15005G>A (p.Arg5002Gln)

Gene: KMT2D (lysine methyltransferase 2D; minus strand). Cytogenetic location: 12q13.12.
Variant type: single nucleotide variant.
Coding change: c.15005G>A on transcript NM_003482.4 (MANE Select); coding-DNA position 15005, G replaced by A.
Protein change: p.Arg5002Gln; replaces arginine 5002 with glutamine.
Molecular consequence: missense variant.
Genome position (GRCh38, 1-based): chr12:49,026,961, C>T on the plus strand (G>A on the coding strand, the complement: KMT2D is on the minus strand). VCF-style: chr12-49026961-C-T. GRCh37 (hg19) VCF-style: chr12-49420744-C-T.
Other names: short protein forms R5002Q.
Identifiers: ClinVar variation 2897103 (VCV002897103.5), dbSNP rs745842900, ClinGen allele CA6545619.

ClinVar aggregate classification (germline): Conflicting classifications of pathogenicity. Review status: criteria provided, conflicting classifications (1 of 4 stars). 3 submissions from 3 submitters: Uncertain significance (1); Benign (1); Likely benign (1). Last evaluated 2025-05-19.

Conditions:
Choanal atresia-athelia-hypothyroidism-delayed puberty-short stature syndrome (BCAHH). Also called: BRANCHIAL ARCH ABNORMALITIES, CHOANAL ATRESIA, ATHELIA, HEARING LOSS, AND HYPOTHYROIDISM SYNDROME. Identifiers: Orphanet 589856, MedGen C5680310, MONDO:0035651, OMIM 620186.
Kabuki syndrome 1 (KABUK1). Also called: KMT2D-Related Kabuki Syndrome. Identifiers: Orphanet 2322, MedGen CN030661, MONDO:0007843, OMIM 147920.
KMT2D-related disorder. Also called: KMT2D-Related Disorders.
Kabuki syndrome. Also called: NIIKAWA-KUROKI SYNDROME; Kabuki make-up syndrome. Identifiers: Orphanet 2322, MedGen C0796004, MONDO:0016512.

Allele frequency attached by ClinVar (database versions not stated): ExAC 0.00002; TOPMed 0.00002; gnomAD 0.00003.
gnomAD v4.1: 24 of 1,613,896 alleles (0.0015%); highest among the groups gnomAD compares: Middle Eastern, 0.033%; 2 homozygotes.

Submissions (3):

Labcorp Genetics (formerly Invitae), Labcorp
Classification: Benign for Kabuki syndrome. Last evaluated: 2025-05-19. Review status: criteria provided, single submitter. Criteria: Invitae Variant Classification Sherloc (09022015). Collection method: clinical testing. Allele origin: germline.

PreventionGenetics, part of Exact Sciences
Classification: Likely benign for KMT2D-related condition. Last evaluated: 2024-11-14. Review status: criteria provided, single submitter. Criteria: ACMG Guidelines, 2015. Collection method: clinical testing. Allele origin: germline.
Comment: This variant is classified as likely benign based on ACMG/AMP sequence variant interpretation guidelines (Richards et al. 2015 PMID: 25741868, with internal and published modifications).

Fulgent Genetics
Classification: Uncertain significance for Kabuki syndrome 1; Choanal atresia-athelia-hypothyroidism-delayed puberty-short stature syndrome. Last evaluated: 2024-06-10. Review status: criteria provided, single submitter. Criteria: ACMG Guidelines, 2015. Collection method: clinical testing. Allele origin: germline.